The following is an entry in ClinVar:

NM_003242.6(TGFBR2):c.1688T>G (p.Leu563Arg)

Gene: TGFBR2 (transforming growth factor beta receptor 2; plus strand). Cytogenetic location: 3p24.1.
Variant type: single nucleotide variant.
Coding change: c.1688T>G on transcript NM_003242.6 (MANE Select); coding-DNA position 1688, T replaced by G.
Protein change: p.Leu563Arg; replaces leucine 563 with arginine.
Molecular consequence: missense variant.
Genome position (GRCh38, 1-based): chr3:30,691,583, T>G. VCF-style: chr3-30691583-T-G. GRCh37 (hg19) VCF-style: chr3-30733075-T-G.
Other names: c.1763T>G, p.Leu588Arg (NM_001024847.3); c.1871T>G, p.Leu624Arg (NM_001407126.1); c.1796T>G, p.Leu599Arg (NM_001407127.1); c.1715T>G, p.Leu572Arg (NM_001407128.1); c.1691T>G, p.Leu564Arg (NM_001407129.1); c.1685T>G, p.Leu562Arg (NM_001407130.1); c.1583T>G, p.Leu528Arg (NM_001407132.1, NM_001407133.1, NM_001407134.1 and 2 more transcripts); c.1403T>G, p.Leu468Arg (NM_001407137.1); and 2 more; short protein forms L572R, L599R, L624R, L443R, L468R, L562R, L563R, L564R.
Identifiers: ClinVar variation 4842325 (VCV004842325.1).

ClinVar aggregate classification (germline): Uncertain significance (1 of 4 stars; one submission).

Conditions:
Familial thoracic aortic aneurysm and aortic dissection (TAAD). Also called: Thoracic aortic aneurysms and dissections. Identifiers: Orphanet 91387, MedGen C4707243, MONDO:0019625.

Submission:

Ambry Genetics
Classification: Uncertain significance for Familial thoracic aortic aneurysm and aortic dissection. Last evaluated: 2026-01-12. Review status: criteria provided, single submitter. Criteria: Ambry Variant Classification Scheme 2023. Collection method: clinical testing. Allele origin: germline.
Comment: The p.L563R variant (also known as c.1688T>G), located in coding exon 7 of the TGFBR2 gene, results from a T to G substitution at nucleotide position 1688. The leucine at codon 563 is replaced by arginine, an amino acid with dissimilar properties. This amino acid position is conserved. In addition, the in silico prediction for this alteration is inconclusive. Based on the available evidence, the clinical significance of this variant remains unclear.